The following is an entry in ClinVar:

ClinVar aggregate classification (germline): Likely benign (0 of 4 stars; one submission).

Conditions:
CC2D2A-related disorder. Also called: CC2D2A-related disorders; CC2D2A-related condition. Identifiers: MedGen CN239313.

gnomAD v4.1: 2 of 1,501,048 alleles (0.00013%); highest among the groups gnomAD compares: African/African-American, 0.0028%; no homozygotes.

Submission:

PreventionGenetics, part of Exact Sciences
Classification: Likely benign for CC2D2A-related condition. Last evaluated: 2024-03-20. Review status: no assertion criteria provided. Collection method: clinical testing. Allele origin: germline.
Comment: This variant is classified as likely benign based on ACMG/AMP sequence variant interpretation guidelines (Richards et al. 2015 PMID: 25741868, with internal and published modifications).

NM_001378615.1(CC2D2A):c.4437+10T>A

Genes: CC2D2A (coiled-coil and C2 domain containing 2A; plus strand), FBXL5 (F-box and leucine rich repeat protein 5; minus strand). Cytogenetic location: 4p15.32.
Variant type: single nucleotide variant.
Coding change: c.4437+10T>A on transcript NM_001378615.1 (MANE Select); 10 bases into the intron after coding-DNA position 4437, T replaced by A.
Molecular consequence: intron variant.
Genome position (GRCh38, 1-based): chr4:15,596,217, T>A. VCF-style: chr4-15596217-T-A. GRCh37 (hg19) VCF-style: chr4-15597840-T-A.
Other names: c.4437+10T>A (NM_001080522.2); c.4290+10T>A (NM_001378617.1).
Identifiers: ClinVar variation 3350537 (VCV003350537.1).